The following is an entry in ClinVar:

NM_002890.3(RASA1):c.2011+1G>T

Genes: CCNH (cyclin H; minus strand), RASA1 (RAS p21 protein activator 1; plus strand). Cytogenetic location: 5q14.3.
Variant type: single nucleotide variant.
Coding change: c.2011+1G>T on transcript NM_002890.3 (MANE Select); the canonical splice donor site of the intron after coding-DNA position 2011, G replaced by T.
Molecular consequence: splice donor variant. On other transcripts: intron variant (1).
Genome position (GRCh38, 1-based): chr5:87,374,917, G>T. VCF-style: chr5-87374917-G-T. GRCh37 (hg19) VCF-style: chr5-86670734-G-T.
Other names: c.1480+1G>T (NM_022650.3); c.933+20127C>A (NM_001364075.2).
Identifiers: ClinVar variation 2117937 (VCV002117937.4), dbSNP rs2531342144, ClinGen allele CA360376703.
Genomic context (GRCh38, chr5:87,374,917, plus strand): 5'-TCAATAGATTTGAAATAACTCTTAGTAATAAAACAAAGAAAAGCAAAGATCCTGATATCT[G>T]TAAGTTGATACAGAAACTTTCTAAAATAGAAAAAGCATGTTTTATATACTTTCAAAATTC-3'

ClinVar aggregate classification (germline): Likely pathogenic (1 of 4 stars; one submission).

Conditions:
Capillary malformation-arteriovenous malformation syndrome. Also called: Capillary malformation-arteriovenous malformation. Identifiers: Orphanet 137667, MedGen C1842180, MONDO:0012016.

Submission:

Labcorp Genetics (formerly Invitae), Labcorp
Classification: Likely pathogenic for Capillary malformation-arteriovenous malformation syndrome. Last evaluated: 2022-04-28. Review status: criteria provided, single submitter. Criteria: Invitae Variant Classification Sherloc (09022015). Collection method: clinical testing. Allele origin: germline.
Comment: This variant is not present in population databases (gnomAD no frequency). Disruption of this splice site has been observed in individual(s) with RASA1-related conditions (PMID: 29891884). Algorithms developed to predict the effect of sequence changes on RNA splicing suggest that this variant may disrupt the consensus splice site. In summary, the currently available evidence indicates that the variant is pathogenic, but additional data are needed to prove that conclusively. Therefore, this variant has been classified as Likely Pathogenic. This sequence change affects a donor splice site in intron 15 of the RASA1 gene. It is expected to disrupt RNA splicing. Variants that disrupt the donor or acceptor splice site typically lead to a loss of protein function (PMID: 16199547), and loss-of-function variants in RASA1 are known to be pathogenic (PMID: 24038909).

Literature cited by the submitters: PubMed 29891884; PubMed 16199547; PubMed 24038909.